The following is an entry in ClinVar:

NM_000530.8(MPZ):c.116A>G (p.His39Arg)

Gene: MPZ (myelin protein zero; minus strand). Cytogenetic location: 1q23.3.
Variant type: single nucleotide variant.
Coding change: c.116A>G on transcript NM_000530.8 (MANE Select); coding-DNA position 116, A replaced by G.
Protein change: p.His39Arg; replaces histidine 39 with arginine.
Molecular consequence: missense variant.
Genome position (GRCh38, 1-based): chr1:161,307,376, T>C on the plus strand (A>G on the coding strand, the complement: MPZ is on the minus strand). VCF-style: chr1-161307376-T-C. GRCh37 (hg19) VCF-style: chr1-161277166-T-C.
Other names: c.116A>G (LRG_256t1); c.116A>G, p.His39Arg (NM_001315491.2); short protein forms H39R.
Identifiers: ClinVar variation 531695 (VCV000531695.10), dbSNP rs371856018, ClinGen allele CA1210229.

ClinVar aggregate classification (germline): Conflicting classifications of pathogenicity. Review status: criteria provided, conflicting classifications (1 of 4 stars). 2 submissions from 2 submitters: Likely pathogenic (1); Uncertain significance (1). Last evaluated 2025-03-14.

Conditions:
Charcot-Marie-Tooth disease, type I (CMT1). Also called: Charcot-Marie-Tooth disease type 1; Charcot-Marie-Tooth, Type 1. Identifiers: Orphanet 65753, MedGen C0751036, MONDO:0019011.

Allele frequency attached by ClinVar (database versions not stated): gnomAD exomes below 0.00001 and 0.00001; ExAC 0.00001; TOPMed 0.00001.
gnomAD v4.1: 5 of 1,614,256 alleles (0.00031%); highest among the groups gnomAD compares: East Asian, 0.0045%; no homozygotes.

Submissions (2):

GeneDx
Classification: Likely pathogenic. Last evaluated: 2025-03-14. Review status: criteria provided, single submitter. Criteria: GeneDx Variant Classification Process June 2021. Collection method: clinical testing. Allele origin: germline.
Comment: In silico analysis supports that this missense variant does not alter protein structure/function; Missense variants in this gene are a common cause of disease and they are underrepresented in the general population; Has not been previously published as pathogenic or benign to our knowledge; This variant is associated with the following publications: (PMID: 26310628, 20461396, 14711881, 17602703, 16844954, 18337304)

Labcorp Genetics (formerly Invitae), Labcorp
Classification: Uncertain significance for Charcot-Marie-Tooth disease, type I. Last evaluated: 2023-01-19. Review status: criteria provided, single submitter. Criteria: Invitae Variant Classification Sherloc (09022015). Collection method: clinical testing. Allele origin: germline.
Comment: This sequence change replaces histidine, which is basic and polar, with arginine, which is basic and polar, at codon 39 of the MPZ protein (p.His39Arg). This variant is present in population databases (rs371856018, gnomAD 0.01%). In summary, the available evidence is currently insufficient to determine the role of this variant in disease. Therefore, it has been classified as a Variant of Uncertain Significance. This variant disrupts the p.His39 amino acid residue in MPZ. Other variant(s) that disrupt this residue have been determined to be pathogenic (PMID: 14711881, 16844954, 18337304, 26310628). This suggests that this residue is clinically significant, and that variants that disrupt this residue are likely to be disease-causing. Advanced modeling of protein sequence and biophysical properties (such as structural, functional, and spatial information, amino acid conservation, physicochemical variation, residue mobility, and thermodynamic stability) performed at Invitae indicates that this missense variant is not expected to disrupt MPZ protein function. ClinVar contains an entry for this variant (Variation ID: 531695). This missense change has been observed in individual(s) with clinical features of MPZ-related conditions (Invitae).

Literature cited by the submitters: PubMed 14711881 (cited by Labcorp Genetics (formerly Invitae), Labcorp); PubMed 16844954 (cited by Labcorp Genetics (formerly Invitae), Labcorp); PubMed 18337304 (cited by Labcorp Genetics (formerly Invitae), Labcorp); PubMed 26310628 (cited by Labcorp Genetics (formerly Invitae), Labcorp).